The following is an entry in ClinVar:

NM_153026.3(PRICKLE1):c.1771A>G (p.Ser591Gly)

Gene: PRICKLE1 (prickle planar cell polarity protein 1; minus strand). Cytogenetic location: 12q12.
Variant type: single nucleotide variant.
Coding change: c.1771A>G on transcript NM_153026.3 (MANE Select); coding-DNA position 1771, A replaced by G.
Protein change: p.Ser591Gly; replaces serine 591 with glycine.
Molecular consequence: missense variant.
Genome position (GRCh38, 1-based): chr12:42,460,534, T>C on the plus strand (A>G on the coding strand, the complement: PRICKLE1 is on the minus strand). VCF-style: chr12-42460534-T-C. GRCh37 (hg19) VCF-style: chr12-42854336-T-C.
Other names: c.1771A>G, p.Ser591Gly (NM_001144881.2, NM_001144882.2, NM_001144883.2); short protein forms S591G.
Identifiers: ClinVar variation 644799 (VCV000644799.6), dbSNP rs1593100814, ClinGen allele CA384440922.
Genomic context (GRCh38, chr12:42,460,534, plus strand): 5'-CTTCAGGCAGGATTTTCTCTGGACACAACTCTGAACTTAGACTCTTTAAGGACTCTGCAC[T>C]CCTGTGCAGCATGGAAGAGTTCAAAGTTCCCATATTGCTCATCTTCTCACAATCTTCTGT-3'
Protein context (NP_694571.2, residues 581-601): GTLNSSMLHR[Ser591Gly]AESLKSLSSE

ClinVar aggregate classification (germline): Uncertain significance (1 of 4 stars; one submission).

Conditions:
Epilepsy, progressive myoclonic, 1B. Also called: PME. Identifiers: Orphanet 308, MedGen C2676254, MONDO:0012904, OMIM 612437.

Allele frequency attached by ClinVar (database versions not stated): gnomAD exomes below 0.00001.
gnomAD v4.1: 3 of 1,614,154 alleles (0.00019%); highest among the groups gnomAD compares: South Asian, 0.0011%; no homozygotes.

Submission:

Labcorp Genetics (formerly Invitae), Labcorp
Classification: Uncertain significance for Epilepsy, progressive myoclonic, 1B. Last evaluated: 2018-11-08. Review status: criteria provided, single submitter. Criteria: Invitae Variant Classification Sherloc (09022015). Collection method: clinical testing. Allele origin: germline.
Comment: In summary, the available evidence is currently insufficient to determine the role of this variant in disease. Therefore, it has been classified as a Variant of Uncertain Significance. Algorithms developed to predict the effect of missense changes on protein structure and function are either unavailable or do not agree on the potential impact of this missense change (SIFT: "Deleterious"; PolyPhen-2: "Benign"; Align-GVGD: "Class C0"). This variant has not been reported in the literature in individuals with PRICKLE1-related disease. This variant is not present in population databases (ExAC no frequency). This sequence change replaces serine with glycine at codon 591 of the PRICKLE1 protein (p.Ser591Gly). The serine residue is highly conserved and there is a small physicochemical difference between serine and glycine.